The following is an entry in ClinVar:

ClinVar aggregate classification (germline): Pathogenic/Likely pathogenic. Review status: criteria provided, multiple submitters, no conflicts (2 of 4 stars). 8 submissions from 8 submitters: Pathogenic (4); Likely pathogenic (1). 3 of the submissions do not count toward it. Last evaluated 2025-10-02.

Conditions:
beta Thalassemia (BTHAL). Also called: Cooley's anemia; Erythroblastic anemia; Mediterranean anemia. Identifiers: Orphanet 848, MedGen C0005283, MONDO:0019402. Disease mechanism: loss of function.
Beta thalassemia intermedia (BTHAL-ITMD). Identifiers: Orphanet 231222, MedGen C0472767, MONDO:0016487.
BETA-PLUS-THALASSEMIA. Identifiers: MedGen C3841475.

Allele frequency attached by ClinVar (database versions not stated): ExAC 0.00001.
gnomAD v4.1: 4 of 1,613,574 alleles (0.00025%); highest among the groups gnomAD compares: South Asian, 0.0022%; no homozygotes.

Submissions (8):

Quest Diagnostics Nichols Institute San Juan Capistrano
Classification: Pathogenic. Last evaluated: 2025-10-02. Review status: criteria provided, single submitter. Criteria: Quest Diagnostics criteria. Collection method: clinical testing. Allele origin: unknown.
Comment: The HBB c.93-3T>G variant (also known as IVS-I-128 (T>G)) is located near the intron 1 splice acceptor site and is predicted to interfere with normal beta-globin mRNA splicing by software algorithms (Alamut Visual). This variant is associated with beta(+)-thalassemia (HbVar), and has been reported in individuals with beta-thalassemia major or intermedia in the homozygous state (PMID: 24719849 (2014)) and compound heterozygous state (PMID: 9450794 (1998), 8199027 (1994), 8435318 (1993), 2920213 (1989)). Based on the available information, this variant is classified as pathogenic.

Natera, Inc.
Classification: Pathogenic for Beta thalassemia. Last evaluated: 2024-05-31. Review status: criteria provided, single submitter. Criteria: Natera Variant Classification Schema (03/2026). Collection method: clinical testing. Allele origin: germline.
Comment: The c.93-3T>G variant in HBB is an intronic variant located outside the canonical splice sites. This variant is rare in the general population with a frequency below the threshold expected for the associated phenotype(s). This variant has been observed in one or more individuals affected with the associated recessive disease, as either homozygous or compound heterozygous with a second variant (PMID: 24719849, 15477200, 33335418). Additionally, this variant has been observed to segregate in affected family members (PMID: 24719849). Computational prediction algorithms indicate this variant is likely to affect gene or protein function. Given the available evidence, this variant is classified as Pathogenic.

Labcorp Genetics (formerly Invitae), Labcorp
Classification: Pathogenic. Last evaluated: 2024-02-02. Review status: criteria provided, single submitter. Criteria: Invitae Variant Classification Sherloc (09022015). Collection method: clinical testing. Allele origin: germline.
Comment: This sequence change falls in intron 1 of the HBB gene. It does not directly change the encoded amino acid sequence of the HBB protein. It affects a nucleotide within the consensus splice site. This variant is present in population databases (rs34527846, gnomAD 0.004%). This variant has been observed in individual(s) with autosomal recessive HBB-related conditions (PMID: 2920213, 12368169, 24719849). In at least one individual the data is consistent with being in trans (on the opposite chromosome) from a pathogenic variant. This variant is also known as IVS-I-128 (T->G). ClinVar contains an entry for this variant (Variation ID: 36341). Variants that disrupt the consensus splice site are a relatively common cause of aberrant splicing (PMID: 17576681, 9536098). Algorithms developed to predict the effect of sequence changes on RNA splicing suggest that this variant may disrupt the consensus splice site. For these reasons, this variant has been classified as Pathogenic.

ARUP Laboratories, Molecular Genetics and Genomics, ARUP Laboratories
Classification: Likely pathogenic. Last evaluated: 2023-01-24. Review status: criteria provided, single submitter. Criteria: ARUP Molecular Germline Variant Investigation Process 2024. Collection method: clinical testing. Allele origin: germline.
Comment: The HBB: c.93-3T>G variant (also known as IVS-I-128 (T->G), rs34527846, HbVar ID: 829) is reported in the compound heterozygous state in individuals with beta (+) thalassemia (Chiou 1993, Hussain 2017, Wong 1989, see link to HbVar and references therein). This variant is also reported in ClinVar (Variation ID: 36341), and is only observed on four alleles in the Genome Aggregation Database, indicating it is not a common polymorphism. This is an intronic variant in a weakly conserved nucleotide, but computational analyses (Alamut v.2.11) predict that this variant may impact splicing by weakening the nearby canonical acceptor splice site. Based on available information, this variant is considered to be likely pathogenic. References: Link to HbVar database: Chiou SS et al. Molecular basis and haematological characterization of beta-thalassaemia major in Taiwan, with a mutation of IVS-1 3' end TAG-->GAG in a Chinese patient. Br J Haematol. 1993 Jan;83(1):112-7. PMID: 8435318. Hussain A et al. Rare beta-Globin Gene Mutations in Pakistan. Hemoglobin. 2017 Mar;41(2):100-103. PMID: 28670940. Wong C et al. Beta-thalassemia due to two novel nucleotide substitutions in consensus acceptor splice sequences of the beta-globin gene. Blood. 1989 Mar;73(4):914-8. PMID: 2920213.

Women's Health and Genetics/Laboratory Corporation of America, LabCorp
Classification: Pathogenic for Beta thalassemia intermedia. Last evaluated: 2022-03-02. Review status: criteria provided, single submitter. Criteria: LabCorp Variant Classification Summary - May 2015. Collection method: clinical testing. Allele origin: germline.
Comment: Variant summary: HBB c.93-3T>G alters a non-conserved nucleotide located close to a canonical splice site and therefore could affect mRNA splicing, leading to a significantly altered protein sequence. Several computational tools predict a significant impact on normal splicing: Two predict the variant abolishes the canonical 5' splicing donor site. Three predict the variant weakens the canonical 5' splicing donor site. However, these predictions have yet to be confirmed by functional studies. The variant allele was found at a frequency of 2e-05 in 252420 control chromosomes. c.93-3T>G has been reported in the literature in multiple individuals affected with Beta Thalassemia Intermedia (example, Wong_1989, Chiou_1993, Ho_1998, Sinha_2009, Al-Allawi_2014, Hassan_2015, Hussain_2017). These data indicate that the variant is very likely to be associated with disease. To our knowledge, no experimental evidence demonstrating an impact on protein function has been reported. The The ITHANET community portal has submitted clinical-significance assessments for this variant to ClinVar after 2014 without evidence for independent evaluation and classified the variant as pathogenic. Based on the evidence outlined above, the variant was classified as pathogenic.

The ITHANET community portal, The Cyprus Institute of Neurology and Genetics
Classification: Pathogenic for beta Thalassemia. Last evaluated: 2019-11-25. Review status: no assertion criteria provided. Collection method: curation. Allele origin: germline. Not counted in ClinVar's aggregate classification.

OMIM
Classification: Pathogenic for BETA-PLUS-THALASSEMIA. Last evaluated: 1989-03-01. Review status: no assertion criteria provided. Collection method: literature only. Allele origin: germline. Not counted in ClinVar's aggregate classification.

Genetic Laboratory, Salmaniya Medical Complex
Classification: Pathogenic for beta Thalassemia. Review status: no assertion criteria provided. Collection method: clinical testing. Allele origin: germline. Inheritance: Autosomal recessive inheritance. Affected: yes. Observed: 1 heterozygote. Not counted in ClinVar's aggregate classification.

Literature cited by the submitters: PubMed 22089620 (cited by Quest Diagnostics Nichols Institute San Juan Capistrano); PubMed 18759082 (cited by Quest Diagnostics Nichols Institute San Juan Capistrano); PubMed 25677748 (cited by Quest Diagnostics Nichols Institute San Juan Capistrano and Women's Health and Genetics/Laboratory Corporation of America, LabCorp); PubMed 23915319 (cited by Quest Diagnostics Nichols Institute San Juan Capistrano); PubMed 26594346 (cited by Quest Diagnostics Nichols Institute San Juan Capistrano); PubMed 23094636 (cited by Quest Diagnostics Nichols Institute San Juan Capistrano); PubMed 39359944 (cited by Quest Diagnostics Nichols Institute San Juan Capistrano); PubMed 28670940 (cited by Quest Diagnostics Nichols Institute San Juan Capistrano and Women's Health and Genetics/Laboratory Corporation of America, LabCorp); PubMed 2920213 (cited by 5 submitters); PubMed 8435318 (cited by 3 submitters); PubMed 8199027 (cited by Quest Diagnostics Nichols Institute San Juan Capistrano); PubMed 24719849 (cited by 4 submitters); PubMed 20704537 (cited by Quest Diagnostics Nichols Institute San Juan Capistrano and Women's Health and Genetics/Laboratory Corporation of America, LabCorp); PubMed 21119755 (cited by Quest Diagnostics Nichols Institute San Juan Capistrano and Women's Health and Genetics/Laboratory Corporation of America, LabCorp); PubMed 19254853 (cited by Quest Diagnostics Nichols Institute San Juan Capistrano); PubMed 12368169 (cited by Quest Diagnostics Nichols Institute San Juan Capistrano and Labcorp Genetics (formerly Invitae), Labcorp); PubMed 9450794 (cited by Quest Diagnostics Nichols Institute San Juan Capistrano and Women's Health and Genetics/Laboratory Corporation of America, LabCorp); PubMed 15477200 (cited by Natera, Inc.); PubMed 33335418 (cited by Natera, Inc.); PubMed 17576681 (cited by Labcorp Genetics (formerly Invitae), Labcorp); PubMed 9536098 (cited by Labcorp Genetics (formerly Invitae), Labcorp).

NM_000518.5(HBB):c.93-3T>G

Genes: HBB (hemoglobin subunit beta; minus strand), LOC106099062 (HBB recombination region; plus strand), LOC107133510 (origin of replication at HBB; plus strand). Cytogenetic location: 11p15.4.
Variant type: single nucleotide variant.
Coding change: c.93-3T>G on transcript NM_000518.5 (MANE Select); 3 bases into the intron before coding-DNA position 93, T replaced by G.
Molecular consequence: intron variant.
Genome position (GRCh38, 1-based): chr11:5,226,802, A>C on the plus strand (T>G on the coding strand, the complement: HBB is on the minus strand). VCF-style: chr11-5226802-A-C. GRCh37 (hg19) VCF-style: chr11-5248032-A-C.
Other names: IVS I-128 (T>G); IVS1-128T>G; IVS1, T-G, -3.
Identifiers: ClinVar variation 36341 (VCV000036341.20), dbSNP rs34527846, ClinGen allele CA342880.